The following is an entry in ClinVar:

ClinVar aggregate classification (germline): Uncertain significance (1 of 4 stars; one submission).

Conditions:
Psoriasis 2. Identifiers: MedGen C1864497, MONDO:0011269, OMIM 602723.
Pityriasis rubra pilaris (PRP). Also called: Pityriasis rubra pilaris--familial type. Identifiers: Orphanet 2897, MedGen C0032027, MONDO:0100017, OMIM 173200, MONDO:0008251.

Submission:

Labcorp Genetics (formerly Invitae), Labcorp
Classification: Uncertain significance for Pityriasis rubra pilaris; Psoriasis 2. Last evaluated: 2022-07-06. Review status: criteria provided, single submitter. Criteria: Invitae Variant Classification Sherloc (09022015). Collection method: clinical testing. Allele origin: germline.
Comment: This variant is not present in population databases (gnomAD no frequency). In summary, the available evidence is currently insufficient to determine the role of this variant in disease. Therefore, it has been classified as a Variant of Uncertain Significance. Algorithms developed to predict the effect of missense changes on protein structure and function are either unavailable or do not agree on the potential impact of this missense change (SIFT: "Tolerated"; PolyPhen-2: "Possibly Damaging"; Align-GVGD: "Class C0"). This variant has not been reported in the literature in individuals affected with CARD14-related conditions. This sequence change replaces glutamic acid, which is acidic and polar, with aspartic acid, which is acidic and polar, at codon 324 of the CARD14 protein (p.Glu324Asp).

NM_001366385.1(CARD14):c.972A>T (p.Glu324Asp)

Gene: CARD14 (caspase recruitment domain family member 14; plus strand). Cytogenetic location: 17q25.3.
Variant type: single nucleotide variant.
Coding change: c.972A>T on transcript NM_001366385.1 (MANE Select); coding-DNA position 972, A replaced by T.
Protein change: p.Glu324Asp; replaces glutamic acid 324 with aspartic acid.
Molecular consequence: missense variant.
Genome position (GRCh38, 1-based): chr17:80,190,782, A>T. VCF-style: chr17-80190782-A-T. GRCh37 (hg19) VCF-style: chr17-78164581-A-T.
Other names: c.972A>T, p.Glu324Asp (NM_001257970.1, NM_024110.4); c.261A>T, p.Glu87Asp (NM_052819.3); short protein forms E324D, E87D.
Identifiers: ClinVar variation 2083217 (VCV002083217.4), dbSNP rs2510637116, ClinGen allele CA401344652.